The following is an entry in ClinVar:

ClinVar aggregate classification (germline): Pathogenic/Likely pathogenic. Review status: criteria provided, multiple submitters, no conflicts (2 of 4 stars). 2 submissions from 2 submitters: Pathogenic (1); Likely pathogenic (1). Last evaluated 2025-08-20.

Conditions:
Cardiomyopathy (CMYO). Also called: Cardiomyopathies. Identifiers: Orphanet 167848, MedGen C0878544, MONDO:0004994, HP:0001638. Inheritance: Various modes of inheritance.
Hypertrophic cardiomyopathy 4. Also called: Familial hypertrophic cardiomyopathy 4. Identifiers: MedGen C1861862, MONDO:0007268, OMIM 115197.

Submissions (2):

3billion
Classification: Pathogenic for Hypertrophic cardiomyopathy 4. Last evaluated: 2025-08-20. Review status: criteria provided, single submitter. Criteria: ACMG Guidelines, 2015. Collection method: clinical testing. Allele origin: germline. Affected: yes.
Comment: The variant is not observed in the gnomAD v4.1.0 dataset. Predicted Consequence/Location: Canonical splice site: predicted to alter splicing and result in a loss or disruption of normal protein function. Multiple pathogenic loss-of-function variants are reported downstream of the variant. In silico tools predict the variant to alter splicing and produce an abnormal transcript [SpliceAI: 1.00 (spliceogenicity >=0.2, non-spliceogenicity <0.1)]. The variant has been reported at least twice as pathogenic without evidence for the classification (ClinVar ID: VCV001333490 /3billion dataset). Therefore, this variant is classified as Pathogenic according to the recommendation of ACMG/AMP guideline.

CHEO Genetics Diagnostic Laboratory, Children's Hospital of Eastern Ontario
Classification: Likely pathogenic for Cardiomyopathy. Last evaluated: 2021-11-01. Review status: criteria provided, single submitter. Criteria: ACMG Guidelines, 2015. Collection method: clinical testing. Allele origin: germline.

NM_000256.3(MYBPC3):c.655-2A>G

Gene: MYBPC3 (myosin binding protein C3; minus strand). Cytogenetic location: 11p11.2.
Variant type: single nucleotide variant.
Coding change: c.655-2A>G on transcript NM_000256.3 (MANE Select); the canonical splice acceptor site of the intron before coding-DNA position 655, A replaced by G.
Molecular consequence: splice acceptor variant.
Genome position (GRCh38, 1-based): chr11:47,348,543, T>C on the plus strand (A>G on the coding strand, the complement: MYBPC3 is on the minus strand). VCF-style: chr11-47348543-T-C. GRCh37 (hg19) VCF-style: chr11-47370094-T-C.
Identifiers: ClinVar variation 1333490 (VCV001333490.4), dbSNP rs1219818351, ClinGen allele CA380336560.